The following is an entry in ClinVar:

ClinVar aggregate classification (germline): Uncertain significance. Review status: criteria provided, single submitter (1 of 4 stars). 2 submissions from 2 submitters: Uncertain significance (1). 1 of the submissions does not count toward it. Last evaluated 2022-08-15.

Conditions:
Charcot-Marie-Tooth disease. Also called: Charcot-Marie-Tooth Hereditary Neuropathy; Charcot-Marie-Tooth Neuropathy. Identifiers: Orphanet 166, MedGen C0007959, MONDO:0015626.
Charcot-Marie-Tooth disease axonal type 2S. Also called: CHARCOT-MARIE-TOOTH NEUROPATHY, TYPE 2S; CHARCOT-MARIE-TOOTH DISEASE, AXONAL, AUTOSOMAL RECESSIVE, TYPE 2S. Identifiers: Orphanet 443073, MedGen C4015349, MONDO:0014511, OMIM 616155.
Autosomal recessive distal spinal muscular atrophy 1. Also called: SEVERE INFANTILE AXONAL NEUROPATHY WITH RESPIRATORY FAILURE; SPINAL MUSCULAR ATROPHY, DIAPHRAGMATIC; Spinal muscular atrophy with respiratory distress 1; HMN VI; NEURONOPATHY, SEVERE INFANTILE AXONAL, WITH RESPIRATORY FAILURE; NEURONOPATHY, DISTAL HEREDITARY MOTOR, HARDING TYPE VI. Identifiers: Orphanet 98920, MedGen C1858517, MONDO:0011436, OMIM 604320.

Allele frequency attached by ClinVar (database versions not stated): gnomAD exomes below 0.00001 and 0.00001; gnomAD 0.00001; TOPMed 0.00001.
gnomAD v4.1: 6 of 1,549,006 alleles (0.00039%); highest among the groups gnomAD compares: Non-Finnish European, 0.00052%; no homozygotes.

Submissions (2):

Labcorp Genetics (formerly Invitae), Labcorp
Classification: Uncertain significance for Autosomal recessive distal spinal muscular atrophy 1; Charcot-Marie-Tooth disease axonal type 2S. Last evaluated: 2022-08-15. Review status: criteria provided, single submitter. Criteria: Invitae Variant Classification Sherloc (09022015). Collection method: clinical testing. Allele origin: germline.
Comment: This sequence change replaces arginine, which is basic and polar, with histidine, which is basic and polar, at codon 28 of the IGHMBP2 protein (p.Arg28His). The frequency data for this variant in the population databases is considered unreliable, as metrics indicate poor data quality at this position in the gnomAD database. This variant has not been reported in the literature in individuals affected with IGHMBP2-related conditions. ClinVar contains an entry for this variant (Variation ID: 578355). Advanced modeling of protein sequence and biophysical properties (such as structural, functional, and spatial information, amino acid conservation, physicochemical variation, residue mobility, and thermodynamic stability) performed at Invitae indicates that this missense variant is not expected to disrupt IGHMBP2 protein function. In summary, the available evidence is currently insufficient to determine the role of this variant in disease. Therefore, it has been classified as a Variant of Uncertain Significance.

Genesis Genome Database
Classification: Uncertain significance for Charcot-Marie-Tooth disease. Last evaluated: 2019-08-14. Review status: no assertion criteria provided. Collection method: research. Allele origin: germline. Affected: yes. Not counted in ClinVar's aggregate classification.

NM_002180.3(IGHMBP2):c.83G>A (p.Arg28His)

Gene: IGHMBP2 (immunoglobulin mu DNA binding protein 2; plus strand). Cytogenetic location: 11q13.3.
Variant type: single nucleotide variant.
Coding change: c.83G>A on transcript NM_002180.3 (MANE Select); coding-DNA position 83, G replaced by A.
Protein change: p.Arg28His; replaces arginine 28 with histidine.
Molecular consequence: missense variant.
Genome position (GRCh38, 1-based): chr11:68,904,035, G>A. VCF-style: chr11-68904035-G-A. GRCh37 (hg19) VCF-style: chr11-68671503-G-A.
Other names: short protein forms R28H.
Identifiers: ClinVar variation 578355 (VCV000578355.7), dbSNP rs892885630, ClinGen allele CA223381905.